The following is an entry in ClinVar:

ClinVar aggregate classification (germline): Uncertain significance. Review status: criteria provided, multiple submitters, no conflicts (2 of 4 stars). 2 submissions from 2 submitters: Uncertain significance (2). Last evaluated 2026-08-06.

Conditions:
Inborn genetic diseases. Identifiers: MedGen C0950123, MeSH D030342.
Hemochromatosis type 4 (HFE4). Also called: HEMOCHROMATOSIS DUE TO DEFECT IN FERROPORTIN; HEMOCHROMATOSIS, AUTOSOMAL DOMINANT; Ferroportin disease. Identifiers: Orphanet 139491, Orphanet 647834, Orphanet 648562, MedGen C1853733, MONDO:0011631, OMIM 606069.

gnomAD v4.1: 2 of 1,613,956 alleles (0.00012%); highest among the groups gnomAD compares: African/African-American, 0.0027%; no homozygotes.

Submissions (2):

OLLIN Analises Genomicas, OLLIN
Classification: Uncertain significance for Hemochromatosis type 4. Last evaluated: 2026-08-06. Review status: criteria provided, single submitter. Criteria: ACMG Guidelines 2015 PMID 25741868. Collection method: clinical testing. Allele origin: germline. Inheritance: Autosomal dominant inheritance.
Comment: This missense variant, located in exon 7 (of 8), has been reported in ClinVar (accession VCV003444493.1) and in gnomAD with an allele frequency of 0.00012%. However, to our knowledge, it has not been reported in the scientific literature. In silico analysis is inconclusive regarding the impact of this variant. According to the currently available evidence, this variant has been classified as uncertain significance (PM2_P).

Ambry Genetics
Classification: Uncertain significance for Inborn genetic diseases. Last evaluated: 2024-09-27. Review status: criteria provided, single submitter. Criteria: Ambry Variant Classification Scheme 2023. Collection method: clinical testing. Allele origin: germline.

NM_014585.6(SLC40A1):c.1307C>T (p.Ser436Phe)

Gene: SLC40A1 (solute carrier family 40 member 1; minus strand). Cytogenetic location: 2q32.2.
Variant type: single nucleotide variant.
Coding change: c.1307C>T on transcript NM_014585.6 (MANE Select); coding-DNA position 1307, C replaced by T.
Protein change: p.Ser436Phe; replaces serine 436 with phenylalanine.
Molecular consequence: missense variant.
Genome position (GRCh38, 1-based): chr2:189,563,679, G>A on the plus strand (C>T on the coding strand, the complement: SLC40A1 is on the minus strand). VCF-style: chr2-189563679-G-A. GRCh37 (hg19) VCF-style: chr2-190428405-G-A.
Other names: short protein forms S436F.
Identifiers: ClinVar variation 3444493 (VCV003444493.2).
Genomic context (GRCh38, chr2:189,563,679, plus strand): 5'-CTGACAGAGATTATGGGCACAGATTCAGGACTTGTCTCCGGGACAATATTAGCAGAATTA[G>A]ACCCATTAGACATGTATATTTCAGTTGTAATTTCAGGTATCTTGGTAGGTGTAATTGACT-3'
Protein context (NP_055400.1, residues 426-446): ITTEIYMSNG[Ser436Phe]NSANIVPETS